The following is an entry in ClinVar:

NM_001040108.2(MLH3):c.4091-3T>C

Gene: MLH3 (mutL homolog 3; minus strand). Cytogenetic location: 14q24.3.
Variant type: single nucleotide variant.
Coding change: c.4091-3T>C on transcript NM_001040108.2 (MANE Select); 3 bases into the intron before coding-DNA position 4091, T replaced by C.
Molecular consequence: intron variant.
Genome position (GRCh38, 1-based): chr14:75,018,983, A>G on the plus strand (T>C on the coding strand, the complement: MLH3 is on the minus strand). VCF-style: chr14-75018983-A-G. GRCh37 (hg19) VCF-style: chr14-75485686-A-G.
Other names: c.4019-3T>C (NM_014381.3).
Identifiers: ClinVar variation 4844380 (VCV004844380.1).
Genomic context (GRCh38, chr14:75,018,983, plus strand): 5'-GCTTCAATAAGGCGGCAACTTTCCTGTAAGCTCAGGCCATCATTAAACTTAATGGCCCCT[A>G]AATGAAAGACAGAAACAAGAAGGTTATAGTGTATATAGTGGGAAACCAATGCTGACCTTG-3'

ClinVar aggregate classification (germline): Uncertain significance (1 of 4 stars; one submission).

Submission:

Ambry Genetics
Classification: Uncertain significance. Last evaluated: 2026-03-13. Review status: criteria provided, single submitter. Criteria: Ambry Variant Classification Scheme 2023. Collection method: clinical testing. Allele origin: germline.
Comment: The c.4091-3T>C intronic variant results from a T to C substitution 3 nucleotides upstream from coding exon 11 in the MLH3 gene. This nucleotide position is not well conserved in available vertebrate species. In silico splice site analysis predicts that this alteration will not have any significant effect on splicing. The evidence for this gene-disease relationship is limited; therefore, the clinical significance of this variant is unclear.